The following is an entry in ClinVar:

ClinVar aggregate classification (germline): Uncertain significance (1 of 4 stars; one submission).

Conditions:
Ehlers-Danlos syndrome, classic type, 1 (EDSCL1). Also called: EHLERS-DANLOS SYNDROME, GRAVIS TYPE; EHLERS-DANLOS SYNDROME, SEVERE CLASSIC TYPE; Ehlers-Danlos syndrome, type 1; Ehlers-Danlos Syndrome, Classic Type, COL5A1-Related; EDS I. Identifiers: MedGen C0268335, MONDO:0019567, OMIM 130000.
Osteogenesis imperfecta type I (OI1). Also called: OI, TYPE I; OSTEOGENESIS IMPERFECTA TARDA; OSTEOGENESIS IMPERFECTA WITH BLUE SCLERAE; Osteogenesis imperfecta type 1; Lobstein's Disease; Lobstein disease. Identifiers: Orphanet 216796, Orphanet 666, MedGen C0023931, MONDO:0008146, OMIM 166200. Disease mechanism: loss of function.

gnomAD v4.1: 15 of 1,574,924 alleles (0.00095%); highest among the groups gnomAD compares: Non-Finnish European, 0.0013%; no homozygotes.

Submission:

Labcorp Genetics (formerly Invitae), Labcorp
Classification: Uncertain significance for Osteogenesis imperfecta type I; Ehlers-Danlos syndrome, classic type, 1. Last evaluated: 2024-02-02. Review status: criteria provided, single submitter. Criteria: Invitae Variant Classification Sherloc (09022015). Collection method: clinical testing. Allele origin: germline.
Comment: This sequence change replaces arginine, which is basic and polar, with isoleucine, which is neutral and non-polar, at codon 450 of the COL1A2 protein (p.Arg450Ile). The frequency data for this variant in the population databases is considered unreliable, as metrics indicate poor data quality at this position in the gnomAD database. This variant has not been reported in the literature in individuals affected with COL1A2-related conditions. An algorithm developed to predict the effect of missense changes on protein structure and function (PolyPhen-2) suggests that this variant is likely to be disruptive. In summary, the available evidence is currently insufficient to determine the role of this variant in disease. Therefore, it has been classified as a Variant of Uncertain Significance.

NM_000089.4(COL1A2):c.1349G>T (p.Arg450Ile)

Gene: COL1A2 (collagen type I alpha 2 chain; plus strand). Cytogenetic location: 7q21.3.
Variant type: single nucleotide variant.
Coding change: c.1349G>T on transcript NM_000089.4 (MANE Select); coding-DNA position 1349, G replaced by T.
Protein change: p.Arg450Ile; replaces arginine 450 with isoleucine.
Molecular consequence: missense variant.
Genome position (GRCh38, 1-based): chr7:94,411,153, G>T. VCF-style: chr7-94411153-G-T. GRCh37 (hg19) VCF-style: chr7-94040465-G-T.
Other names: short protein forms R450I.
Identifiers: ClinVar variation 3762191 (VCV003762191.2).